The following is an entry in ClinVar:

NM_005632.3(CAPN15):c.2487G>A (p.Ala829=)

Gene: CAPN15 (calpain 15; plus strand). Cytogenetic location: 16p13.3.
Variant type: single nucleotide variant.
Coding change: c.2487G>A on transcript NM_005632.3 (MANE Select); coding-DNA position 2487, G replaced by A.
Protein change: p.Ala829=; no amino-acid change (alanine 829 retained).
Molecular consequence: synonymous variant.
Genome position (GRCh38, 1-based): chr16:552,192, G>A. VCF-style: chr16-552192-G-A. GRCh37 (hg19) VCF-style: chr16-602192-G-A.
Other names: c.2487G>A (NM_005632.2).
Identifiers: ClinVar variation 3778062 (VCV003778062.8).

ClinVar aggregate classification (germline): Likely benign. Review status: criteria provided, multiple submitters, no conflicts (2 of 4 stars). 2 submissions from 2 submitters: Likely benign (2). Last evaluated 2026-07-01.

Conditions:
CAPN15-related disorder. Also called: CAPN15-related condition.

Submissions (2):

CeGaT Center for Human Genetics Tuebingen
Classification: Likely benign. Last evaluated: 2026-07-01. Review status: criteria provided, single submitter. Criteria: CeGaT Center For Human Genetics Tuebingen Variant Classification Criteria Version 2. Collection method: clinical testing. Allele origin: germline. Affected: yes. Observed: 4 variant alleles.
Comment: CAPN15: BP4, BP7

PreventionGenetics, part of Exact Sciences
Classification: Likely benign for CAPN15-related condition. Last evaluated: 2026-03-20. Review status: criteria provided, single submitter. Criteria: ACMG Guidelines, 2015. Collection method: clinical testing. Allele origin: germline.
Comment: This variant is classified as likely benign based on ACMG/AMP sequence variant interpretation guidelines (Richards et al. 2015 PMID: 25741868, with internal and published modifications).